The following is an entry in ClinVar:

ClinVar aggregate classification (germline): Conflicting classifications of pathogenicity. Review status: criteria provided, conflicting classifications (1 of 4 stars). 3 submissions from 3 submitters: Uncertain significance (1); Likely benign (1). 1 of the submissions does not count toward it. Last evaluated 2025-12-05.

Conditions:
PLEC-related disorder. Also called: PLEC-related disorders; PLEC-related condition.
Autosomal recessive limb-girdle muscular dystrophy type 2Q (LGMDR17). Also called: MUSCULAR DYSTROPHY, LIMB-GIRDLE, AUTOSOMAL RECESSIVE 17. Identifiers: Orphanet 254361, MedGen C3150989, MONDO:0013390, OMIM 613723.
Epidermolysis bullosa simplex with nail dystrophy (EBS5D). Identifiers: MedGen C4225309, MONDO:0014661, OMIM 616487.
Epidermolysis bullosa simplex 5C, with pyloric atresia (EBS5C). Also called: PLEC-Related Epidermolysis Bullosa with Pyloric Atresia; PLEC1-Related Epidermolysis Bullosa with Pyloric Atresia; Epidermolysis bullosa simplex with pyloric atresia. Identifiers: Orphanet 158684, MedGen C2677349, MONDO:0012807, OMIM 612138.
Epidermolysis bullosa simplex, Ogna type (EBS5A). Also called: Pidermolysis bullosa simplex 5A, Ogna type; EPIDERMOLYSIS BULLOSA SIMPLEX 5A, OGNA TYPE. Identifiers: Orphanet 79401, MedGen C0432317, MONDO:0007555, OMIM 131950.
Epidermolysis bullosa simplex 5B, with muscular dystrophy (EBS5B). Also called: EPIDERMOLYSIS BULLOSA SIMPLEX AND LIMB-GIRDLE MUSCULAR DYSTROPHY; Epidermolysis bullosa simplex with muscular dystrophy. Identifiers: Orphanet 257, MedGen C2931072, MONDO:0009181, OMIM 226670.

Allele frequency attached by ClinVar (database versions not stated): gnomAD 0.00004 and 0.00005; gnomAD exomes 0.00007; TOPMed 0.00008; ExAC 0.00010.
gnomAD v4.1: 111 of 1,612,806 alleles (0.0069%); highest among the groups gnomAD compares: South Asian, 0.025%; no homozygotes.

Submissions (3):

Labcorp Genetics (formerly Invitae), Labcorp
Classification: Likely benign for Autosomal recessive limb-girdle muscular dystrophy type 2Q; Epidermolysis bullosa simplex, Ogna type; Epidermolysis bullosa simplex with nail dystrophy; Epidermolysis bullosa simplex 5C, with pyloric atresia; Epidermolysis bullosa simplex 5B, with muscular dystrophy. Last evaluated: 2025-12-05. Review status: criteria provided, single submitter. Criteria: Invitae Variant Classification Sherloc (09022015). Collection method: clinical testing. Allele origin: germline.

Eurofins Ntd Llc (ga)
Classification: Uncertain significance. Last evaluated: 2017-10-05. Review status: criteria provided, single submitter. Criteria: EGL Classification Definitions 2015. Collection method: clinical testing. Allele origin: germline. Observed: 2 variant alleles, 2 heterozygotes.

PreventionGenetics, part of Exact Sciences
Classification: Likely benign for PLEC-related condition. Last evaluated: 2022-08-04. Review status: no assertion criteria provided. Collection method: clinical testing. Allele origin: germline. Not counted in ClinVar's aggregate classification.
Comment: This variant is classified as likely benign based on ACMG/AMP sequence variant interpretation guidelines (Richards et al. 2015 PMID: 25741868, with internal and published modifications).

NM_201384.3(PLEC):c.12978C>T (p.Thr4326=)

Gene: PLEC (plectin; minus strand). Cytogenetic location: 8q24.3.
Variant type: single nucleotide variant.
Coding change: c.12978C>T on transcript NM_201384.3 (MANE Select); coding-DNA position 12978, C replaced by T.
Protein change: p.Thr4326=; no amino-acid change (threonine 4326 retained).
Molecular consequence: synonymous variant.
Genome position (GRCh38, 1-based): chr8:143,916,843, G>A on the plus strand (C>T on the coding strand, the complement: PLEC is on the minus strand). VCF-style: chr8-143916843-G-A. GRCh37 (hg19) VCF-style: chr8-144991011-G-A.
Other names: c.13059C>T, p.Thr4353= (NM_000445.5); c.12936C>T, p.Thr4312= (NM_201378.4); c.12912C>T, p.Thr4304= (NM_201379.3); c.13389C>T, p.Thr4463= (NM_201380.4); c.12882C>T, p.Thr4294= (NM_201381.3); c.12978C>T, p.Thr4326= (NM_201382.4); c.12990C>T, p.Thr4330= (NM_201383.3).
Identifiers: ClinVar variation 196843 (VCV000196843.17), dbSNP rs781832846, ClinGen allele CA244487.